The following is an entry in ClinVar:

NM_000129.4(F13A1):c.*89A>G

Gene: F13A1 (coagulation factor XIII A chain; minus strand). Cytogenetic location: 6p25.1.
Variant type: single nucleotide variant.
Coding change: c.*89A>G on transcript NM_000129.4 (MANE Select); 89 bases downstream of the stop codon, A replaced by G.
Molecular consequence: 3 prime UTR variant.
Genome position (GRCh38, 1-based): chr6:6,145,530, T>C on the plus strand (A>G on the coding strand, the complement: F13A1 is on the minus strand). VCF-style: chr6-6145530-T-C. GRCh37 (hg19) VCF-style: chr6-6145763-T-C.
Identifiers: ClinVar variation 357665 (VCV000357665.5), dbSNP rs3024462, ClinGen allele CA10627333.

ClinVar aggregate classification (germline): Benign (1 of 4 stars; one submission).

Conditions:
Factor XIII, A subunit, deficiency of. Also called: Factor XIII subunit A deficiency. Identifiers: Orphanet 331, MedGen C2750514, MONDO:0013187, OMIM 613225, HP:0040233.

Allele frequency attached by ClinVar (database versions not stated): gnomAD exomes 0.00440; gnomAD 0.04336 and 0.04627; 1000 Genomes Project 0.04892; TOPMed 0.04952; 1000 Genomes Project 30x 0.05418.
gnomAD v4.1: 13,117 of 1,568,848 alleles (0.84%); highest among the groups gnomAD compares: African/African-American, 15%; 953 homozygotes.

Submission:

Illumina Laboratory Services, Illumina
Classification: Benign for Factor XIII, A subunit, deficiency of. Last evaluated: 2018-01-12. Review status: criteria provided, single submitter. Criteria: ICSL Variant Classification Criteria 13 December 2019. Collection method: clinical testing. Allele origin: germline.
Comment: This variant was observed in the ICSL laboratory as part of a predisposition screen in an ostensibly healthy population. It had not been previously curated by ICSL or reported in the Human Gene Mutation Database (HGMD: prior to June 1st, 2018), and was therefore a candidate for classification through an automated scoring system. Utilizing variant allele frequency, disease prevalence and penetrance estimates, and inheritance mode, an automated score was calculated to assess if this variant is too frequent to cause the disease. Based on the score and internal cut-off values, a variant classified as benign is not then subjected to further curation. The score for this variant resulted in a classification of benign for this disease.